The following is an entry in ClinVar:

NM_005506.4(SCARB2):c.346G>A (p.Ala116Thr)

Gene: SCARB2 (scavenger receptor class B member 2; minus strand). Cytogenetic location: 4q21.1.
Variant type: single nucleotide variant.
Coding change: c.346G>A on transcript NM_005506.4 (MANE Select); coding-DNA position 346, G replaced by A.
Protein change: p.Ala116Thr; replaces alanine 116 with threonine.
Molecular consequence: missense variant. On other transcripts: intron variant (1).
Genome position (GRCh38, 1-based): chr4:76,181,031, C>T on the plus strand (G>A on the coding strand, the complement: SCARB2 is on the minus strand). VCF-style: chr4-76181031-C-T. GRCh37 (hg19) VCF-style: chr4-77102184-C-T.
Other names: c.276-5121G>A (NM_001204255.2); short protein forms A116T.
Identifiers: ClinVar variation 2736519 (VCV002736519.1), dbSNP rs1732373270, ClinGen allele CA357327245.

ClinVar aggregate classification (germline): Uncertain significance (1 of 4 stars; one submission).

Conditions:
Progressive myoclonic epilepsy. Also called: Familial progressive myoclonic epilepsy; Myoclonus epilepsy; Progressive myoclonus epilepsy; Myoclonic Epilepsies, Progressive. Identifiers: Orphanet 308, Orphanet 98261, MedGen C0751778, MONDO:0020074.

Allele frequency attached by ClinVar (database versions not stated): gnomAD 0.00002.

Submission:

Labcorp Genetics (formerly Invitae), Labcorp
Classification: Uncertain significance for Progressive myoclonic epilepsy. Last evaluated: 2023-02-16. Review status: criteria provided, single submitter. Criteria: Invitae Variant Classification Sherloc (09022015). Collection method: clinical testing. Allele origin: germline.
Comment: This sequence change replaces alanine, which is neutral and non-polar, with threonine, which is neutral and polar, at codon 116 of the SCARB2 protein (p.Ala116Thr). This variant is not present in population databases (gnomAD no frequency). This variant has not been reported in the literature in individuals affected with SCARB2-related conditions. Advanced modeling of protein sequence and biophysical properties (such as structural, functional, and spatial information, amino acid conservation, physicochemical variation, residue mobility, and thermodynamic stability) performed at Invitae indicates that this missense variant is not expected to disrupt SCARB2 protein function. In summary, the available evidence is currently insufficient to determine the role of this variant in disease. Therefore, it has been classified as a Variant of Uncertain Significance.